The following is an entry in ClinVar:

NM_000492.4(CFTR):c.3578T>A (p.Ile1193Asn)

Genes: CFTR (CF transmembrane conductance regulator; plus strand), CFTR-AS2 (CFTR antisense RNA 2; minus strand). Cytogenetic location: 7q31.2.
Variant type: single nucleotide variant.
Coding change: c.3578T>A on transcript NM_000492.4 (MANE Select); coding-DNA position 3578, T replaced by A.
Protein change: p.Ile1193Asn; replaces isoleucine 1193 with asparagine.
Molecular consequence: missense variant.
Genome position (GRCh38, 1-based): chr7:117,627,631, T>A. VCF-style: chr7-117627631-T-A. GRCh37 (hg19) VCF-style: chr7-117267685-T-A.
Other names: short protein forms I1193N.
Identifiers: ClinVar variation 4806537 (VCV004806537.1).

ClinVar aggregate classification (germline): Uncertain significance (1 of 4 stars; one submission).

Conditions:
Cystic fibrosis (CF). Also called: MUCOVISCIDOSIS. Identifiers: Orphanet 586, MedGen C0010674, MONDO:0009061, OMIM 219700. Disease mechanism: loss of function.

Submission:

Labcorp Genetics (formerly Invitae), Labcorp
Classification: Uncertain significance for Cystic fibrosis. Last evaluated: 2026-01-15. Review status: criteria provided, single submitter. Criteria: Invitae Variant Classification Sherloc (09022015). Collection method: clinical testing. Allele origin: germline.
Comment: This sequence change replaces isoleucine, which is neutral and non-polar, with asparagine, which is neutral and polar, at codon 1193 of the CFTR protein (p.Ile1193Asn). This variant is not present in population databases (gnomAD no frequency). This variant has not been reported in the literature in individuals affected with CFTR-related conditions. Invitae Evidence Modeling of protein sequence and biophysical properties (such as structural, functional, and spatial information, amino acid conservation, physicochemical variation, residue mobility, and thermodynamic stability) has been performed for this missense variant. However, the output from this modeling did not meet the statistical confidence thresholds required to predict the impact of this variant on CFTR protein function. In summary, the available evidence is currently insufficient to determine the role of this variant in disease. Therefore, it has been classified as a Variant of Uncertain Significance.